The following is an entry in ClinVar:

NM_001267550.2(TTN):c.95555T>C (p.Leu31852Pro)

Genes: TTN (titin; minus strand), TTN-AS1 (TTN antisense RNA 1; plus strand). Cytogenetic location: 2q31.2.
Variant type: single nucleotide variant.
Coding change: c.95555T>C on transcript NM_001267550.2 (MANE Select); coding-DNA position 95555, T replaced by C.
Protein change: p.Leu31852Pro; replaces leucine 31852 with proline.
Molecular consequence: missense variant.
Genome position (GRCh38, 1-based): chr2:178,545,555, A>G on the plus strand (T>C on the coding strand, the complement: TTN is on the minus strand). VCF-style: chr2-178545555-A-G. GRCh37 (hg19) VCF-style: chr2-179410282-A-G.
Other names: p.L29284P:CTG>CCG; c.90632T>C, p.Leu30211Pro (NM_001256850.1); c.87851T>C, p.Leu29284Pro (NM_133378.4); c.68360T>C, p.Leu22787Pro (NM_003319.4); c.68735T>C, p.Leu22912Pro (NM_133432.3); c.68936T>C, p.Leu22979Pro (NM_133437.4); short protein forms L31852P, L29284P, L30211P, L22787P, L22912P, L22979P.
Identifiers: ClinVar variation 47559 (VCV000047559.81), dbSNP rs62621206, ClinGen allele CA284130.

ClinVar aggregate classification (germline): Benign/Likely benign. Review status: criteria provided, multiple submitters, no conflicts (2 of 4 stars). 29 submissions from 22 submitters: Benign (16); Likely benign (8). 5 of the submissions do not count toward it. Last evaluated 2026-09-01.

Conditions:
Cardiovascular phenotype. Identifiers: MedGen CN230736.
Autosomal recessive limb-girdle muscular dystrophy type 2J (LGMDR10). Also called: MUSCULAR DYSTROPHY, LIMB-GIRDLE, AUTOSOMAL RECESSIVE 10; Limb-girdle muscular dystrophy, type 2J. Identifiers: Orphanet 140922, MedGen C1837342, MONDO:0012127, OMIM 608807.
Dilated cardiomyopathy 1G (CMD1G). Identifiers: Orphanet 154, MedGen C1858763, MONDO:0011400, OMIM 604145.
Cardiomyopathy (CMYO). Also called: Cardiomyopathies. Identifiers: Orphanet 167848, MedGen C0878544, MONDO:0004994, HP:0001638. Inheritance: Various modes of inheritance.
Early-onset myopathy with fatal cardiomyopathy (CMYO5). Also called: CONGENITAL MYOPATHY 5 WITH CARDIOMYOPATHY; Salih Myopathy. Identifiers: Orphanet 289377, MedGen C2673677, MONDO:0012714, OMIM 611705. Disease mechanism: loss of function.
Myopathy, myofibrillar, 9, with early respiratory failure (MFM9). Also called: Myopathy, distal, with early respiratory failure, autosomal dominant; Hereditary myopathy with early respiratory failure; EDSTROM MYOPATHY; MYOPATHY, PROXIMAL, WITH EARLY RESPIRATORY MUSCLE INVOLVEMENT. Identifiers: Orphanet 178464, Orphanet 34521, MedGen C1863599, MONDO:0011362, OMIM 603689.
Tibial muscular dystrophy (TMD). Also called: Tibial muscular dystrophy, tardive; Udd Distal Myopathy – Tibial Muscular Dystrophy; UDD MYOPATHY. Identifiers: Orphanet 609, MedGen C1838244, MONDO:0010870, OMIM 600334.

Allele frequency attached by ClinVar (database versions not stated): 1000 Genomes Project 0.00559; ESP Exome Variant Server 0.01179; 1000 Genomes Project 30x 0.00547; gnomAD 0.01097 and 0.01151; TOPMed 0.01161.

Submissions (29):

CeGaT Center for Human Genetics Tuebingen
Classification: Benign. Last evaluated: 2026-09-01. Review status: criteria provided, single submitter. Criteria: CeGaT Center For Human Genetics Tuebingen Variant Classification Criteria Version 2. Collection method: clinical testing. Allele origin: germline. Affected: yes. Observed: 150 variant alleles.
Comment: TTN: BS1, BS2

Molecular Diagnostic Laboratory for Inherited Cardiovascular Disease, Montreal Heart Institute
Classification: Likely benign. Last evaluated: 2026-03-27. Review status: criteria provided, single submitter. Criteria: ACMG Guidelines, 2015. Collection method: clinical testing. Allele origin: germline. Affected: no.

Labcorp Genetics (formerly Invitae), Labcorp
Classification: Benign for Dilated cardiomyopathy 1G; Autosomal recessive limb-girdle muscular dystrophy type 2J. Last evaluated: 2026-02-04. Review status: criteria provided, single submitter. Criteria: Invitae Variant Classification Sherloc (09022015). Collection method: clinical testing. Allele origin: germline.

ARUP Laboratories, Molecular Genetics and Genomics, ARUP Laboratories
Classification: Benign. Last evaluated: 2025-05-29. Review status: criteria provided, single submitter. Criteria: ARUP Molecular Germline Variant Investigation Process 2024. Collection method: clinical testing. Allele origin: germline.

Blueprint Genetics
Classification: Likely benign. Last evaluated: 2024-11-26. Review status: criteria provided, single submitter. Criteria: ACMG Guidelines, 2015. Collection method: clinical testing. Allele origin: germline.

CHEO Genetics Diagnostic Laboratory, Children's Hospital of Eastern Ontario
Classification: Likely benign for Cardiomyopathy. Last evaluated: 2023-05-16. Review status: criteria provided, single submitter. Criteria: ACMG Guidelines, 2015. Collection method: clinical testing. Allele origin: germline.

Genome-Nilou Lab
Classification: Benign for Autosomal recessive limb-girdle muscular dystrophy type 2J. Last evaluated: 2021-09-10. Review status: criteria provided, single submitter. Criteria: ACMG Guidelines, 2015. Collection method: clinical testing. Allele origin: germline. Affected: no.

Genome-Nilou Lab
Classification: Benign for Myopathy, myofibrillar, 9, with early respiratory failure. Last evaluated: 2021-09-10. Review status: criteria provided, single submitter. Criteria: ACMG Guidelines, 2015. Collection method: clinical testing. Allele origin: germline. Affected: no.

Genome-Nilou Lab
Classification: Benign for Early-onset myopathy with fatal cardiomyopathy. Last evaluated: 2021-09-10. Review status: criteria provided, single submitter. Criteria: ACMG Guidelines, 2015. Collection method: clinical testing. Allele origin: germline. Affected: no.

Genome-Nilou Lab
Classification: Benign for Tibial muscular dystrophy. Last evaluated: 2021-09-10. Review status: criteria provided, single submitter. Criteria: ACMG Guidelines, 2015. Collection method: clinical testing. Allele origin: germline. Affected: no.

Women's Health and Genetics/Laboratory Corporation of America, LabCorp
Classification: Likely benign. Last evaluated: 2020-04-18. Review status: criteria provided, single submitter. Criteria: LabCorp Variant Classification Summary - May 2015. Collection method: clinical testing. Allele origin: germline.

Athena Diagnostics
Classification: Benign. Last evaluated: 2019-06-24. Review status: criteria provided, single submitter. Criteria: Athena Diagnostics Criteria. Collection method: clinical testing. Allele origin: germline.

Illumina Laboratory Services, Illumina
Classification: Benign for Tibial muscular dystrophy. Last evaluated: 2018-01-13. Review status: criteria provided, single submitter. Criteria: ICSL Variant Classification Criteria 13 December 2019. Collection method: clinical testing. Allele origin: germline.
Comment: This variant was observed in the ICSL laboratory as part of a predisposition screen in an ostensibly healthy population. It had not been previously curated by ICSL or reported in the Human Gene Mutation Database (HGMD: prior to June 1st, 2018), and was therefore a candidate for classification through an automated scoring system. Utilizing variant allele frequency, disease prevalence and penetrance estimates, and inheritance mode, an automated score was calculated to assess if this variant is too frequent to cause the disease. Based on the score and internal cut-off values, a variant classified as benign is not then subjected to further curation. The score for this variant resulted in a classification of benign for this disease.

Illumina Laboratory Services, Illumina
Classification: Likely benign for Dilated cardiomyopathy 1G. Last evaluated: 2018-01-13. Review status: criteria provided, single submitter. Criteria: ICSL Variant Classification Criteria 13 December 2019. Collection method: clinical testing. Allele origin: germline.
Comment: This variant was observed in the ICSL laboratory as part of a predisposition screen in an ostensibly healthy population. It had not been previously curated by ICSL or reported in the Human Gene Mutation Database (HGMD: prior to June 1st, 2018), and was therefore a candidate for classification through an automated scoring system. Utilizing variant allele frequency, disease prevalence and penetrance estimates, and inheritance mode, an automated score was calculated to assess if this variant is too frequent to cause the disease. Based on the score and internal cut-off values, a variant classified as likely benign is not then subjected to further curation. The score for this variant resulted in a classification of likely benign for this disease.

Illumina Laboratory Services, Illumina
Classification: Likely benign for Autosomal recessive limb-girdle muscular dystrophy type 2J. Last evaluated: 2018-01-13. Review status: criteria provided, single submitter. Criteria: ICSL Variant Classification Criteria 13 December 2019. Collection method: clinical testing. Allele origin: germline.
Comment: the same text as in the submission from Illumina Laboratory Services, Illumina above.

Illumina Laboratory Services, Illumina
Classification: Likely benign for Early-onset myopathy with fatal cardiomyopathy. Last evaluated: 2018-01-13. Review status: criteria provided, single submitter. Criteria: ICSL Variant Classification Criteria 13 December 2019. Collection method: clinical testing. Allele origin: germline.
Comment: the same text as in the submission from Illumina Laboratory Services, Illumina above.

Illumina Laboratory Services, Illumina
Classification: Benign for Myopathy, myofibrillar, 9, with early respiratory failure. Last evaluated: 2018-01-13. Review status: criteria provided, single submitter. Criteria: ICSL Variant Classification Criteria 13 December 2019. Collection method: clinical testing. Allele origin: germline.
Comment: the same text as in the submission from Illumina Laboratory Services, Illumina above.

Mayo Clinic Laboratories, Mayo Clinic
Classification: Benign. Last evaluated: 2017-12-06. Review status: criteria provided, single submitter. Criteria: ACMG Guidelines, 2015. Collection method: clinical testing. Allele origin: germline. Observed: 76 variant alleles.

GeneDx
Classification: Benign. Last evaluated: 2013-07-03. Review status: criteria provided, single submitter. Criteria: GeneDx Variant Classification (06012015). Collection method: clinical testing. Allele origin: germline. Affected: yes.
Comment: This variant is considered likely benign or benign based on one or more of the following criteria: it is a conservative change, it occurs at a poorly conserved position in the protein, it is predicted to be benign by multiple in silico algorithms, and/or has population frequency not consistent with disease.

Biesecker Lab/Clinical Genomics Section, National Institutes of Health
Classification: Benign. Last evaluated: 2013-06-24. Review status: criteria provided, single submitter. Criteria: Ng et al. (Circ Cardiovasc Genet. 2013). Collection method: research. Allele origin: unknown. Observed: 28 variant alleles. Study: ClinSeq.
Comment: The study set was not selected for affection status in relation to any cancer. Pathogenicity categories were based on literature curation. See Pubmed ID:23861362 for details.

Medical sequencing

Ambry Genetics
Classification: Benign for Cardiovascular phenotype. Last evaluated: 2013-01-08. Review status: criteria provided, single submitter. Criteria: Ambry Autosomal Dominant and X-Linked criteria (10/2015). Collection method: clinical testing. Allele origin: germline. Observed: 1 variant allele.

Laboratory for Molecular Medicine, Mass General Brigham Personalized Medicine
Classification: Benign. Last evaluated: 2012-03-22. Review status: criteria provided, single submitter. Criteria: LMM Criteria. Collection method: clinical testing. Allele origin: germline. Observed: 53 variant alleles.
Comment: Leu29284Pro in exon 293 of TTN: This variant is not expected to have clinical si gnificance because it has been identified in 1.4% (104/6772) of European America n chromosomes from a broad population by the NHLBI Exome Sequencing Project (dbSNP rs62621206).

Breakthrough Genomics
Classification: Likely benign. Review status: criteria provided, single submitter. Criteria: ACMG Guidelines, 2015. Collection method: not provided. Allele origin: germline. Inheritance: Autosomal recessive inheritance. Affected: yes.

PreventionGenetics, part of Exact Sciences
Classification: Benign. Review status: criteria provided, single submitter. Criteria: ACMG Guidelines, 2015. Collection method: clinical testing. Allele origin: germline.

Clinical Genetics, Academic Medical Center
Classification: Benign. Review status: no assertion criteria provided. Collection method: clinical testing. Allele origin: germline. Affected: yes. Study: VKGL Data-share Consensus. Not counted in ClinVar's aggregate classification.

Diagnostic Laboratory, Department of Genetics, University Medical Center Groningen
Classification: Likely benign. Review status: no assertion criteria provided. Collection method: clinical testing. Allele origin: germline. Affected: yes. Study: VKGL Data-share Consensus. Not counted in ClinVar's aggregate classification.

Genome Diagnostics Laboratory, University Medical Center Utrecht
Classification: Benign. Review status: no assertion criteria provided. Collection method: clinical testing. Allele origin: germline. Affected: yes. Study: VKGL Data-share Consensus. Not counted in ClinVar's aggregate classification.

Joint Genome Diagnostic Labs from Nijmegen and Maastricht, Radboudumc and MUMC+
Classification: Benign. Review status: no assertion criteria provided. Collection method: clinical testing. Allele origin: germline. Affected: yes. Study: VKGL Data-share Consensus. Not counted in ClinVar's aggregate classification.

Laboratory of Diagnostic Genome Analysis, Leiden University Medical Center (LUMC)
Classification: Likely benign. Review status: no assertion criteria provided. Collection method: clinical testing. Allele origin: germline. Affected: yes. Study: VKGL Data-share Consensus. Not counted in ClinVar's aggregate classification.